The following is an entry in ClinVar:

ClinVar aggregate classification (germline): Conflicting classifications of pathogenicity. Review status: criteria provided, conflicting classifications (1 of 4 stars). 4 submissions from 4 submitters: Uncertain significance (1); Benign (1); Likely benign (2). Last evaluated 2026-01-09.

Conditions:
Congenital isolated adrenocorticotropic hormone deficiency. Also called: ACTH deficiency; Adrenocorticotropic hormone deficiency; ACTH DEFICIENCY, ISOLATED. Identifiers: Orphanet 199296, MedGen C0342388, MONDO:0008720, OMIM 201400, HP:0011748.
TBX19-related disorder. Also called: TBX19-related condition.

Allele frequency attached by ClinVar (database versions not stated): ExAC 0.00084; gnomAD exomes 0.00099 and 0.00129; gnomAD 0.00107 and 0.00111; TOPMed 0.00116; 1000 Genomes Project 0.00120; ESP Exome Variant Server 0.00138; 1000 Genomes Project 30x 0.00141.
gnomAD v4.1: 2,054 of 1,614,240 alleles (0.13%); highest among the groups gnomAD compares: Non-Finnish European, 0.14%; 1 homozygote.

Submissions (4):

Labcorp Genetics (formerly Invitae), Labcorp
Classification: Benign. Last evaluated: 2026-01-09. Review status: criteria provided, single submitter. Criteria: Invitae Variant Classification Sherloc (09022015). Collection method: clinical testing. Allele origin: germline.

PreventionGenetics, part of Exact Sciences
Classification: Likely benign for TBX19-related condition. Last evaluated: 2025-12-03. Review status: criteria provided, single submitter. Criteria: ACMG Guidelines, 2015. Collection method: clinical testing. Allele origin: germline.
Comment: This variant is classified as likely benign based on ACMG/AMP sequence variant interpretation guidelines (Richards et al. 2015 PMID: 25741868, with internal and published modifications).

Blueprint Genetics
Classification: Likely benign. Last evaluated: 2024-11-06. Review status: criteria provided, single submitter. Criteria: ACMG Guidelines, 2015. Collection method: clinical testing. Allele origin: germline.

Illumina Laboratory Services, Illumina
Classification: Uncertain significance for Congenital isolated adrenocorticotropic hormone deficiency. Last evaluated: 2018-01-12. Review status: criteria provided, single submitter. Criteria: ICSL Variant Classification Criteria 13 December 2019. Collection method: clinical testing. Allele origin: germline.

NM_005149.3(TBX19):c.315C>T (p.Asn105=)

Gene: TBX19 (T-box transcription factor 19; plus strand). Cytogenetic location: 1q24.2.
Variant type: single nucleotide variant.
Coding change: c.315C>T on transcript NM_005149.3 (MANE Select); coding-DNA position 315, C replaced by T.
Protein change: p.Asn105=; no amino-acid change (asparagine 105 retained).
Molecular consequence: synonymous variant.
Genome position (GRCh38, 1-based): chr1:168,291,271, C>T. VCF-style: chr1-168291271-C-T. GRCh37 (hg19) VCF-style: chr1-168260509-C-T.
Identifiers: ClinVar variation 293457 (VCV000293457.10), dbSNP rs143801899, ClinGen allele CA1230457.